The following is an entry in ClinVar:

ClinVar aggregate classification (germline): Likely benign (1 of 4 stars; one submission).

Conditions:
PLXNA1-related disorder. Also called: PLXNA1-related condition.

gnomAD v4.1: 5 of 1,613,434 alleles (0.00031%); highest among the groups gnomAD compares: Non-Finnish European, 0.00042%; no homozygotes.

Submission:

PreventionGenetics, part of Exact Sciences
Classification: Likely benign for PLXNA1-related condition. Last evaluated: 2025-03-19. Review status: criteria provided, single submitter. Criteria: ACMG Guidelines, 2015. Collection method: clinical testing. Allele origin: germline.
Comment: This variant is classified as likely benign based on ACMG/AMP sequence variant interpretation guidelines (Richards et al. 2015 PMID: 25741868, with internal and published modifications).

NM_032242.4(PLXNA1):c.4137C>G (p.Arg1379=)

Gene: PLXNA1 (plexin A1; plus strand). Cytogenetic location: 3q21.3.
Variant type: single nucleotide variant.
Coding change: c.4137C>G on transcript NM_032242.4 (MANE Select); coding-DNA position 4137, C replaced by G.
Protein change: p.Arg1379=; no amino-acid change (arginine 1379 retained).
Molecular consequence: synonymous variant.
Genome position (GRCh38, 1-based): chr3:127,022,183, C>G. VCF-style: chr3-127022183-C-G. GRCh37 (hg19) VCF-style: chr3-126741026-C-G.
Identifiers: ClinVar variation 5000748 (VCV005000748.1).